The following is an entry in ClinVar:

NM_001123385.2(BCOR):c.3711G>A (p.Val1237=)

Gene: BCOR (BCL6 corepressor; minus strand). Cytogenetic location: Xp11.4.
Variant type: single nucleotide variant.
Coding change: c.3711G>A on transcript NM_001123385.2 (MANE Select); coding-DNA position 3711, G replaced by A.
Protein change: p.Val1237=; no amino-acid change (valine 1237 retained).
Molecular consequence: synonymous variant.
Genome position (GRCh38, 1-based): chrX:40,063,744, C>T on the plus strand (G>A on the coding strand, the complement: BCOR is on the minus strand). VCF-style: chrX-40063744-C-T. GRCh37 (hg19) VCF-style: chrX-39922997-C-T.
Other names: c.3609G>A, p.Val1203= (NM_001123383.2, NM_017745.6); c.3555G>A, p.Val1185= (NM_001123384.2).
Identifiers: ClinVar variation 198884 (VCV000198884.19), dbSNP rs753256966, ClinGen allele CA247751.

ClinVar aggregate classification (germline): Conflicting classifications of pathogenicity. Review status: criteria provided, conflicting classifications (1 of 4 stars). 5 submissions from 5 submitters: Uncertain significance (1); Likely benign (4). Last evaluated 2026-05-18.

Conditions:
BCOR-related disorder. Also called: BCOR-related disorders; BCOR-related condition.
Oculofaciocardiodental syndrome (MCOPS2). Identifiers: Orphanet 2712, MedGen C1846265, MONDO:0010261, OMIM 300166.

Allele frequency attached by ClinVar (database versions not stated): ExAC 0.00001; gnomAD exomes 0.00001 and 0.00003; TOPMed 0.00004; gnomAD 0.00005.
gnomAD v4.1: 43 of 1,210,325 alleles (0.0036%); highest among the groups gnomAD compares: East Asian, 0.021%; no homozygotes.

Submissions (5):

PreventionGenetics, part of Exact Sciences
Classification: Likely benign for BCOR-related condition. Last evaluated: 2026-05-18. Review status: criteria provided, single submitter. Criteria: ACMG Guidelines, 2015. Collection method: clinical testing. Allele origin: germline.
Comment: This variant is classified as likely benign based on ACMG/AMP sequence variant interpretation guidelines (Richards et al. 2015 PMID: 25741868, with internal and published modifications).

Labcorp Genetics (formerly Invitae), Labcorp
Classification: Likely benign for Oculofaciocardiodental syndrome. Last evaluated: 2025-09-06. Review status: criteria provided, single submitter. Criteria: Invitae Variant Classification Sherloc (09022015). Collection method: clinical testing. Allele origin: germline.

Blueprint Genetics
Classification: Likely benign. Last evaluated: 2024-09-23. Review status: criteria provided, single submitter. Criteria: ACMG Guidelines, 2015. Collection method: clinical testing. Allele origin: germline.

Genetic Services Laboratory, University of Chicago
Classification: Likely benign. Last evaluated: 2018-08-01. Review status: criteria provided, single submitter. Criteria: ACMG Guidelines, 2015. Collection method: clinical testing. Allele origin: germline. Affected: no.

Eurofins Ntd Llc (ga)
Classification: Uncertain significance. Last evaluated: 2018-06-05. Review status: criteria provided, single submitter. Criteria: EGL ClinVar v180209 classification definitions. Collection method: clinical testing. Allele origin: germline. Observed: 1 variant allele, 1 heterozygote.